The following is an entry in ClinVar:

ClinVar aggregate classification (germline): Conflicting classifications of pathogenicity. Review status: criteria provided, conflicting classifications (1 of 4 stars). 8 submissions from 8 submitters: Uncertain significance (7); Likely benign (1). Last evaluated 2025-10-10.

Conditions:
Primary ciliary dyskinesia. Also called: Ciliary dyskinesia. Identifiers: Orphanet 244, MedGen C0008780, MONDO:0016575, HP:0012265.
Primary ciliary dyskinesia 11. Also called: CILIARY DYSKINESIA, PRIMARY, 11, WITHOUT SITUS INVERSUS. Identifiers: Orphanet 244, MedGen C2675229, MONDO:0012978, OMIM 612649.

Allele frequency attached by ClinVar (database versions not stated): gnomAD 0.00014 and 0.00015; TOPMed 0.00014; gnomAD exomes 0.00019 and 0.00031; ESP Exome Variant Server 0.00023; ExAC 0.00026.

Submissions (8):

Ambry Genetics
Classification: Uncertain significance for Primary ciliary dyskinesia. Last evaluated: 2025-10-10. Review status: criteria provided, single submitter. Criteria: Ambry Variant Classification Scheme 2023. Collection method: clinical testing. Allele origin: germline.
Comment: The p.E570Q variant (also known as c.1708G>C), located in coding exon 4 of the RSPH4A gene, results from a G to C substitution at nucleotide position 1708. The glutamic acid at codon 570 is replaced by glutamine, an amino acid with highly similar properties. This amino acid position is conserved. In addition, this alteration is predicted to be tolerated by in silico analysis. Since supporting evidence is limited at this time, the clinical significance of this alteration remains unclear.

Blueprint Genetics
Classification: Uncertain significance. Last evaluated: 2023-12-20. Review status: criteria provided, single submitter. Criteria: ACMG Guidelines, 2015. Collection method: clinical testing. Allele origin: germline.

Mayo Clinic Laboratories, Mayo Clinic
Classification: Uncertain significance. Last evaluated: 2023-08-15. Review status: criteria provided, single submitter. Criteria: ACMG Guidelines, 2015. Collection method: clinical testing. Allele origin: germline. Observed: 1 variant allele.
Comment: BP4

Labcorp Genetics (formerly Invitae), Labcorp
Classification: Uncertain significance for Primary ciliary dyskinesia. Last evaluated: 2022-06-02. Review status: criteria provided, single submitter. Criteria: Invitae Variant Classification Sherloc (09022015). Collection method: clinical testing. Allele origin: germline.
Comment: This sequence change replaces glutamic acid, which is acidic and polar, with glutamine, which is neutral and polar, at codon 570 of the RSPH4A protein (p.Glu570Gln). This variant is present in population databases (rs147003118, gnomAD 0.04%). This variant has not been reported in the literature in individuals affected with RSPH4A-related conditions. ClinVar contains an entry for this variant (Variation ID: 197172). Algorithms developed to predict the effect of missense changes on protein structure and function are either unavailable or do not agree on the potential impact of this missense change (SIFT: "Tolerated"; PolyPhen-2: "Probably Damaging"; Align-GVGD: "Class C0"). In summary, the available evidence is currently insufficient to determine the role of this variant in disease. Therefore, it has been classified as a Variant of Uncertain Significance.

ARUP Laboratories, Molecular Genetics and Genomics, ARUP Laboratories
Classification: Uncertain significance for Primary ciliary dyskinesia 11. Last evaluated: 2022-03-25. Review status: criteria provided, single submitter. Criteria: ARUP Molecular Germline Variant Investigation Process 2021. Collection method: clinical testing. Allele origin: germline.
Comment: The RSPH4A c.1708G>C; p.Glu570Gln variant (rs147003118), to our knowledge, is not reported in the medical literature; but is reported in ClinVar (Variation ID: 197172). This variant is found in the general population with an overall allele frequency of 0.02% (51/280080 alleles) in the Genome Aggregation Database. The glutamic acid at codon 570 is moderately conserved, and computational analyses are uncertain whether this variant is neutral or deleterious (REVEL: 0.22). Due to limited information, the clinical significance of this variant is uncertain at this time.

Illumina Laboratory Services, Illumina
Classification: Uncertain significance for Primary ciliary dyskinesia 11. Last evaluated: 2018-01-13. Review status: criteria provided, single submitter. Criteria: ICSL Variant Classification Criteria 13 December 2019. Collection method: clinical testing. Allele origin: germline.

Eurofins Ntd Llc (ga)
Classification: Uncertain significance. Last evaluated: 2014-07-21. Review status: criteria provided, single submitter. Criteria: EGL Classification Definitions 2015. Collection method: clinical testing. Allele origin: germline. Observed: 1 variant allele, 1 heterozygote.

PreventionGenetics, part of Exact Sciences
Classification: Likely benign. Review status: criteria provided, single submitter. Criteria: ACMG Guidelines, 2015. Collection method: clinical testing. Allele origin: germline.

NM_001010892.3(RSPH4A):c.1708G>C (p.Glu570Gln)

Gene: RSPH4A (radial spoke head component 4A; plus strand). Cytogenetic location: 6q22.1.
Variant type: single nucleotide variant.
Coding change: c.1708G>C on transcript NM_001010892.3 (MANE Select); coding-DNA position 1708, G replaced by C.
Protein change: p.Glu570Gln; replaces glutamic acid 570 with glutamine.
Molecular consequence: missense variant. On other transcripts: intron variant (1).
Genome position (GRCh38, 1-based): chr6:116,629,612, G>C. VCF-style: chr6-116629612-G-C. GRCh37 (hg19) VCF-style: chr6-116950775-G-C.
Other names: p.Glu570Gln; c.1663-823G>C (NM_001161664.2); short protein forms E570Q.
Identifiers: ClinVar variation 197172 (VCV000197172.19), dbSNP rs147003118, ClinGen allele CA245163.
Genomic context (GRCh38, chr6:116,629,612, plus strand): 5'-AACATTCATTCCCAGGGTCGCTGTAATTGGTTCAACTCCATACAAAAAAATGAGGAAGAA[G>C]AAGAGGAAGAAGATGAAGAAAAAGACGATTCTGACTACATAGAACAGGAAGTGGGGCTTC-3'
Protein context (NP_001010892.1, residues 560-580): FNSIQKNEEE[Glu570Gln]EEEDEEKDDS